The following is an entry in ClinVar:

ClinVar aggregate classification (germline): Uncertain significance (1 of 4 stars; one submission).

Conditions:
Hereditary nonpolyposis colorectal neoplasms. Identifiers: MedGen C0009405, MeSH D003123.

Allele frequency attached by ClinVar (database versions not stated): gnomAD exomes below 0.00001.
gnomAD v4.1: 1 of 1,614,126 alleles (0.000062%); highest among the groups gnomAD compares: Admixed American, 0.0017%; no homozygotes.

Submission:

Labcorp Genetics (formerly Invitae), Labcorp
Classification: Uncertain significance for Hereditary nonpolyposis colorectal neoplasms. Last evaluated: 2024-03-29. Review status: criteria provided, single submitter. Criteria: Invitae Variant Classification Sherloc (09022015). Collection method: clinical testing. Allele origin: germline.
Comment: This sequence change replaces cysteine, which is neutral and slightly polar, with glycine, which is neutral and non-polar, at codon 496 of the MSH6 protein (p.Cys496Gly). This variant is not present in population databases (gnomAD no frequency). This variant has not been reported in the literature in individuals affected with MSH6-related conditions. ClinVar contains an entry for this variant (Variation ID: 2161350). Advanced modeling of protein sequence and biophysical properties (such as structural, functional, and spatial information, amino acid conservation, physicochemical variation, residue mobility, and thermodynamic stability) performed at Invitae indicates that this missense variant is not expected to disrupt MSH6 protein function with a negative predictive value of 95%. In summary, the available evidence is currently insufficient to determine the role of this variant in disease. Therefore, it has been classified as a Variant of Uncertain Significance.

NM_000179.3(MSH6):c.1486T>G (p.Cys496Gly)

Gene: MSH6 (mutS homolog 6; plus strand). Cytogenetic location: 2p16.3.
Variant type: single nucleotide variant.
Coding change: c.1486T>G on transcript NM_000179.3 (MANE Select); coding-DNA position 1486, T replaced by G.
Protein change: p.Cys496Gly; replaces cysteine 496 with glycine.
Molecular consequence: missense variant.
Genome position (GRCh38, 1-based): chr2:47,799,469, T>G. VCF-style: chr2-47799469-T-G. GRCh37 (hg19) VCF-style: chr2-48026608-T-G.
Other names: c.1096T>G, p.Cys366Gly (NM_001281492.2); c.580T>G, p.Cys194Gly (NM_001281493.2, NM_001281494.2, NM_001406811.1 and 6 more transcripts); c.1582T>G, p.Cys528Gly (NM_001406795.1, NM_001406802.1); c.1486T>G, p.Cys496Gly (NM_001406796.1, NM_001406798.1, NM_001406800.1 and 4 more transcripts); c.1189T>G, p.Cys397Gly (NM_001406797.1, NM_001406801.1, NM_001406805.1 and 10 more transcripts); c.961T>G, p.Cys321Gly (NM_001406799.1, NM_001406806.1, NM_001406807.1); c.1408T>G, p.Cys470Gly (NM_001406804.1); c.1492T>G, p.Cys498Gly (NM_001406813.1); and 1 more; short protein forms C397G, C366G, C440G, C496G, C528G, C194G, C498G, C321G.
Identifiers: ClinVar variation 2161350 (VCV002161350.4), dbSNP rs1558661860, ClinGen allele CA346746070.